The following is an entry in ClinVar:

ClinVar aggregate classification (germline): Likely pathogenic (1 of 4 stars; one submission).

Conditions:
Dilated cardiomyopathy 1G (CMD1G). Identifiers: Orphanet 154, MedGen C1858763, MONDO:0011400, OMIM 604145.

gnomAD v4.1: 14 of 1,613,832 alleles (0.00087%); highest among the groups gnomAD compares: Non-Finnish European, 0.0012%; no homozygotes.

Submission:

Victorian Clinical Genetics Services, Murdoch Childrens Research Institute
Classification: Likely pathogenic for Dilated cardiomyopathy 1G. Last evaluated: 2024-09-20. Review status: criteria provided, single submitter. Criteria: ACMG Guidelines, 2015. Collection method: clinical testing. Allele origin: germline. Inheritance: Autosomal dominant inheritance. Affected: yes.
Comment: Based on the classification scheme VCGS_Germline_v1.3.4, this variant is classified as Likely pathogenic. Following criteria are met: 0102 - Loss of function is a known mechanism of disease in this gene. In addition, dominant-negative is also a suggested mechanism. (PMID: 25589632). (I) 0108 - This gene is associated with both recessive and dominant disease (OMIM). (I) 0112 - The condition associated with this gene has incomplete penetrance. Variants in this gene that result in a premature truncating codon (PTC) are known to have reduced penetrance in DCM (PMID: 25589632). (I) 0210 - Splice site variant proven to affect splicing of the transcript with a known effect on protein sequence. This missense variant has been proven to create a novel donor gain splicing event, causing a deletion of the last 40 nucleotides of the exon, resulting in a frameshift and premature termination codon five amino acids downstream, p.(Ala1536Leufs*6). This variant is predicted to cause nonsense-mediated decay (NMD) and loss of protein (personal communication with The Victor Chang Cardiac Research Institute, PMID: 28424332). (SP) 0251 - This variant is heterozygous. (I) 0301 - Variant is absent from gnomAD (both v2 and v3). (SP) 0309 - Multiple alternative amino acid changes at the same position have been observed in gnomAD (v2) (highest allele count: 1 heterozygote, 0 homozygote). (I) 0600 - Variant is located near the annotated Z-disk and the exon has a PSI score of 100% (PMID: 25589632). (I) 0702 - Other NMD-predicted variants comparable to the one identified in this case have strong previous evidence for pathogenicity (ClinVar). (SP) 0803 - This variant has limited previous evidence of pathogenicity in an unrelated individual. This variant was inherited in trans with another variant in an individual with multi/minicore congenital myopathy (LOVD, PMID: 28424332). (SP) 0905 - No published segregation evidence has been identified for this variant. (I) 1208 - Inheritance information for this variant is not currently available in this individual. (I) Legend: (SP) - Supporting pathogenic, (I) - Information, (SB) - Supporting benign

Literature cited by the submitters: PubMed 25589632; PubMed 28424332.

NM_001267550.2(TTN):c.4607C>T (p.Ala1536Val)

Genes: TTN (titin; minus strand), LOC101927055 (uncharacterized LOC101927055; plus strand). Cytogenetic location: 2q31.2.
Variant type: single nucleotide variant.
Coding change: c.4607C>T on transcript NM_001267550.2 (MANE Select); coding-DNA position 4607, C replaced by T.
Protein change: p.Ala1536Val; replaces alanine 1536 with valine.
Molecular consequence: missense variant. On other transcripts: non-coding transcript variant (1).
Genome position (GRCh38, 1-based): chr2:178,777,458, G>A on the plus strand (C>T on the coding strand, the complement: TTN is on the minus strand). VCF-style: chr2-178777458-G-A. GRCh37 (hg19) VCF-style: chr2-179642185-G-A.
Other names: c.4607C>T, p.Ala1536Val (NM_001256850.1, NM_133378.4, NM_133379.5); c.4469C>T, p.Ala1490Val (NM_003319.4, NM_133432.3, NM_133437.4); short protein forms A1490V, A1536V.
Identifiers: ClinVar variation 3376806 (VCV003376806.1).